The following is an entry in ClinVar:

NM_000235.4(LIPA):c.693_696del (p.Lys231fs)

Gene: LIPA (lipase A, lysosomal acid type; minus strand). Cytogenetic location: 10q23.31.
Variant type: Deletion.
Coding change: c.693_696del on transcript NM_000235.4 (MANE Select); coding-DNA positions 693 to 696, 4 bases deleted (AGAA; older notation c.693_696delAGAA).
Protein change: p.Lys231fs; shifts the reading frame from lysine 231.
Molecular consequence: frameshift variant.
Genome position (GRCh38, 1-based): chr10:89,223,810-89,223,813, TTCT deleted on the plus strand (AGAA on the coding strand, the reverse complement: LIPA is on the minus strand); deleting any 4 consecutive bases within chr10:89,223,810-89,223,815 gives the same sequence; the c. name uses the placement nearest the transcript's 3' end. VCF-style (leftmost placement, unchanged base first): chr10-89223809-ATTCT-A. GRCh37 (hg19) VCF-style: chr10-90983566-ATTCT-A.
Other names: c.693_696del, p.Lys231fs (NM_001440823.1, NM_001440824.1, NM_001440825.1 and 16 more transcripts); c.825_828del, p.Lys275fs (NM_001440836.1); c.714_717del, p.Lys238fs (NM_001440837.1); c.708_711del, p.Lys236fs (NM_001440838.1); c.525_528del, p.Lys175fs (NM_001440839.1); c.345_348del, p.Lys115fs (NM_001288979.2); short protein forms K115fs, K175fs, K231fs, K236fs, K238fs, K275fs.
Identifiers: ClinVar variation 4817960 (VCV004817960.2).

ClinVar aggregate classification (germline): Pathogenic/Likely pathogenic. Review status: criteria provided, multiple submitters, no conflicts (2 of 4 stars). 2 submissions from 2 submitters: Pathogenic (1); Likely pathogenic (1). Last evaluated 2024-12-10.

Conditions:
Lysosomal acid lipase deficiency. Also called: Acid cholesteryl ester hydrolase deficiency, type 2. Identifiers: Orphanet 275761, MedGen C5574740, MONDO:0800449, MONDO:0010204.

Submissions (2):

Natera, Inc.
Classification: Likely pathogenic for Lysosomal acid lipase deficiency. Last evaluated: 2024-12-10. Review status: criteria provided, single submitter. Criteria: Natera Variant Classification Schema (03/2026). Collection method: clinical testing. Allele origin: germline.
Comment: The c.693_696del variant in LIPA is a frameshift variant predicted to shift the reading frame beginning at codon 231 and leads to a stop codon 9 codons downstream. This variant is expected to result in nonsense mediated decay, truncation, or a dysfunctional protein product. This variant is rare in the general population with a frequency below the threshold expected for the associated phenotype(s). Given the available evidence, this variant is classified as Likely Pathogenic.

Myriad Genetics, Inc.
Classification: Pathogenic for Lysosomal acid lipase deficiency. Last evaluated: 2023-08-17. Review status: criteria provided, single submitter. Criteria: Myriad Autosomal Dominant, Autosomal Recessive and X-Linked Classification Criteria (2023). Collection method: clinical testing. Allele origin: unknown.
Comment: NM_000235.2(LIPA):c.693_696delAGAA(K231Nfs*9) is expected to be pathogenic in the context of lysosomal acid lipase deficiency. This variant is predicted to lead to an abnormal or absent protein product due to the creation of a premature termination codon in LIPA, a gene where loss-of-function variants are known to be pathogenic. Please note: this variant was assessed in the context of healthy population screening.